The following is an entry in ClinVar:

NM_001256007.3(PNPLA8):c.1339A>G (p.Ile447Val)

Gene: PNPLA8 (patatin like domain 8, phospholipase A2; minus strand). Cytogenetic location: 7q31.1.
Variant type: single nucleotide variant.
Coding change: c.1339A>G on transcript NM_001256007.3 (MANE Select); coding-DNA position 1339, A replaced by G.
Protein change: p.Ile447Val; replaces isoleucine 447 with valine.
Molecular consequence: missense variant.
Genome position (GRCh38, 1-based): chr7:108,502,510, T>C on the plus strand (A>G on the coding strand, the complement: PNPLA8 is on the minus strand). VCF-style: chr7-108502510-T-C. GRCh37 (hg19) VCF-style: chr7-108142954-T-C.
Other names: c.1339A>G, p.Ile447Val (NM_001256008.3, NM_001256009.3, NM_015723.5); c.1039A>G, p.Ile347Val (NM_001256010.3, NM_001256011.3); c.1339A>G (NM_015723.2); short protein forms I347V, I447V.
Identifiers: ClinVar variation 2139123 (VCV002139123.3), dbSNP rs146697306, ClinGen allele CA4439629.

ClinVar aggregate classification (germline): Uncertain significance. Review status: criteria provided, multiple submitters, no conflicts (2 of 4 stars). 2 submissions from 2 submitters: Uncertain significance (2). Last evaluated 2024-12-04.

Conditions:
Inborn genetic diseases. Identifiers: MedGen C0950123, MeSH D030342.

Allele frequency attached by ClinVar (database versions not stated): ExAC 0.00001; gnomAD exomes 0.00002; gnomAD 0.00003; ESP Exome Variant Server 0.00008.
gnomAD v4.1: 37 of 1,593,406 alleles (0.0023%); highest among the groups gnomAD compares: African/African-American, 0.0041%; no homozygotes.

Submissions (2):

Ambry Genetics
Classification: Uncertain significance for Inborn genetic diseases. Last evaluated: 2024-12-04. Review status: criteria provided, single submitter. Criteria: Ambry Variant Classification Scheme 2023. Collection method: clinical testing. Allele origin: germline.

Labcorp Genetics (formerly Invitae), Labcorp
Classification: Uncertain significance. Last evaluated: 2022-07-19. Review status: criteria provided, single submitter. Criteria: Invitae Variant Classification Sherloc (09022015). Collection method: clinical testing. Allele origin: germline.
Comment: This sequence change replaces isoleucine, which is neutral and non-polar, with valine, which is neutral and non-polar, at codon 447 of the PNPLA8 protein (p.Ile447Val). This variant is present in population databases (rs146697306, gnomAD 0.03%). This variant has not been reported in the literature in individuals affected with PNPLA8-related conditions. Algorithms developed to predict the effect of missense changes on protein structure and function are either unavailable or do not agree on the potential impact of this missense change (SIFT: "Tolerated"; PolyPhen-2: "Possibly Damaging"; Align-GVGD: "Class C0"). Algorithms developed to predict the effect of sequence changes on RNA splicing suggest that this variant may create or strengthen a splice site. In summary, the available evidence is currently insufficient to determine the role of this variant in disease. Therefore, it has been classified as a Variant of Uncertain Significance.